The following is an entry in ClinVar:

ClinVar aggregate classification (germline): Likely benign. Review status: criteria provided, multiple submitters, no conflicts (2 of 4 stars). 2 submissions from 2 submitters: Likely benign (2). Last evaluated 2025-06-11.

Conditions:
Episodic ataxia type 1 (EA1). Also called: ATAXIA, EPISODIC, WITH MYOKYMIA; Episodic ataxia/myokymia syndrome; MYOKYMIA WITH PERIODIC ATAXIA; PAROXYSMAL ATAXIA WITH NEUROMYOTONIA, HEREDITARY. Identifiers: Orphanet 37612, Orphanet 972, MedGen C1719788, MONDO:0008047, OMIM 160120.

Allele frequency attached by ClinVar (database versions not stated): gnomAD exomes 0.00002 and 0.00005; ExAC 0.00003; TOPMed 0.00004; gnomAD 0.00006; ESP Exome Variant Server 0.00008.
gnomAD v4.1: 79 of 1,613,162 alleles (0.0049%); highest among the groups gnomAD compares: Non-Finnish European, 0.0064%; no homozygotes.

Submissions (2):

Athena Diagnostics
Classification: Likely benign. Last evaluated: 2025-06-11. Review status: criteria provided, single submitter. Criteria: Athena Diagnostics Criteria. Collection method: clinical testing. Allele origin: unknown.
Comment: Computational tools yielded predictions that this variant is unlikely to have an effect on normal RNA splicing. This nucleotide position exhibits low evolutionary conservation.

Labcorp Genetics (formerly Invitae), Labcorp
Classification: Likely benign for Episodic ataxia type 1. Last evaluated: 2025-05-18. Review status: criteria provided, single submitter. Criteria: Invitae Variant Classification Sherloc (09022015). Collection method: clinical testing. Allele origin: germline.

NM_000217.3(KCNA1):c.42C>T (p.Ala14=)

Genes: KCNA1 (potassium voltage-gated channel subfamily A member 1; plus strand), LOC130007218 (ATAC-STARR-seq lymphoblastoid silent region 4155; plus strand). Cytogenetic location: 12p13.32.
Variant type: single nucleotide variant.
Coding change: c.42C>T on transcript NM_000217.3 (MANE Select); coding-DNA position 42, C replaced by T.
Protein change: p.Ala14=; no amino-acid change (alanine 14 retained).
Molecular consequence: synonymous variant.
Genome position (GRCh38, 1-based): chr12:4,911,420, C>T. VCF-style: chr12-4911420-C-T. GRCh37 (hg19) VCF-style: chr12-5020586-C-T.
Identifiers: ClinVar variation 702194 (VCV000702194.12), dbSNP rs375361885, ClinGen allele CA6399332.
Genomic context (GRCh38, chr12:4,911,420, plus strand): 5'-CCCGCGCCCGGCTTCCACCATGACGGTGATGTCTGGGGAGAACGTGGACGAGGCTTCGGC[C>T]GCCCCGGGCCACCCCCAGGATGGCAGCTACCCCCGGCAGGCCGACCACGACGACCACGAG-3'
Protein context (NP_000208.2, residues 4-24): MSGENVDEAS[Ala14=]APGHPQDGSY